The following is an entry in ClinVar:

NM_172351.3(CD46):c.629G>T (p.Cys210Phe)

Gene: CD46 (CD46 molecule; plus strand). Cytogenetic location: 1q32.2.
Variant type: single nucleotide variant.
Coding change: c.629G>T on transcript NM_172351.3 (MANE Select); coding-DNA position 629, G replaced by T.
Protein change: p.Cys210Phe; replaces cysteine 210 with phenylalanine.
Molecular consequence: missense variant.
Genome position (GRCh38, 1-based): chr1:207,761,402, G>T. VCF-style: chr1-207761402-G-T. GRCh37 (hg19) VCF-style: chr1-207934747-G-T.
Other names: c.629G>T, p.Cys210Phe (NM_172358.3, NM_172359.3, NM_172361.3 and 8 more transcripts); short protein forms C210F.
Identifiers: ClinVar variation 4291164 (VCV004291164.1).

ClinVar aggregate classification (germline): Uncertain significance (1 of 4 stars; one submission).

Conditions:
Atypical hemolytic-uremic syndrome. Identifiers: Orphanet 2134, MedGen C2931788, MONDO:0016244.

gnomAD v4.1: 1 of 1,614,110 alleles (0.000062%); highest among the groups gnomAD compares: Non-Finnish European, 0.000085%; no homozygotes.

Submission:

Genomenon, Inc
Classification: Uncertain significance for Atypical hemolytic-uremic syndrome. Last evaluated: 2025-10-02. Review status: criteria provided, single submitter. Criteria: Genomenon Sequence Variant Interpretation Standards. Collection method: curation. Allele origin: germline. Affected: yes.
Comment: CD46 p.Cys210Phe (c.629G>T) is a missense variant that changes the amino acid at residue 210 from Cysteine to Phenylalanine. This variant has been observed in at least one proband affected with atypical hemolytic-uremic syndrome (PMID:23431077;19459807). It is absent or not present at a significant frequency in gnomAD. In silico models agree that this variant is possibly or probably damaging. In conclusion, we classify CD46 p.Cys210Phe (c.629G>T) as a variant of uncertain significance.

Literature cited by the submitters: PubMed 23431077; PubMed 19459807.